The following is an entry in ClinVar:

NM_000426.4(LAMA2):c.8467C>T (p.Pro2823Ser)

Gene: LAMA2 (laminin subunit alpha 2; plus strand). Cytogenetic location: 6q22.33.
Variant type: single nucleotide variant.
Coding change: c.8467C>T on transcript NM_000426.4 (MANE Select); coding-DNA position 8467, C replaced by T.
Protein change: p.Pro2823Ser; replaces proline 2823 with serine.
Molecular consequence: missense variant.
Genome position (GRCh38, 1-based): chr6:129,503,200, C>T. VCF-style: chr6-129503200-C-T. GRCh37 (hg19) VCF-style: chr6-129824345-C-T.
Other names: c.8455C>T, p.Pro2819Ser (NM_001079823.2); short protein forms P2823S, P2819S.
Identifiers: ClinVar variation 497927 (VCV000497927.51), dbSNP rs151334775, ClinGen allele CA3994839.

ClinVar aggregate classification (germline): Conflicting classifications of pathogenicity. Review status: criteria provided, conflicting classifications (1 of 4 stars). 5 submissions from 5 submitters: Uncertain significance (4); Likely benign (1). Last evaluated 2026-01-19.

Conditions:
LAMA2-related muscular dystrophy (LAMA2-RD). Also called: Laminin alpha 2-related dystrophy. Identifiers: MedGen C5679788, MONDO:0100228.

Allele frequency attached by ClinVar (database versions not stated): TOPMed 0.00007; ExAC 0.00008; ESP Exome Variant Server 0.00008; gnomAD exomes 0.00008; gnomAD 0.00009 and 0.00010.
gnomAD v4.1: 185 of 1,613,936 alleles (0.011%); highest among the groups gnomAD compares: Non-Finnish European, 0.015%; no homozygotes.

Submissions (5):

Labcorp Genetics (formerly Invitae), Labcorp
Classification: Likely benign for LAMA2-related muscular dystrophy. Last evaluated: 2026-01-19. Review status: criteria provided, single submitter. Criteria: Invitae Variant Classification Sherloc (09022015). Collection method: clinical testing. Allele origin: germline.

CeGaT Center for Human Genetics Tuebingen
Classification: Uncertain significance. Last evaluated: 2022-01-01. Review status: criteria provided, single submitter. Criteria: CeGaT Center For Human Genetics Tuebingen Variant Classification Criteria Version 2. Collection method: clinical testing. Allele origin: germline. Affected: yes. Observed: 1 variant allele.

Revvity Omics, Revvity
Classification: Uncertain significance. Last evaluated: 2021-06-29. Review status: criteria provided, single submitter. Criteria: ACMG Guidelines, 2015. Collection method: clinical testing. Allele origin: germline.

GeneDx
Classification: Uncertain significance. Last evaluated: 2020-08-10. Review status: criteria provided, single submitter. Criteria: GeneDx Variant Classification Process June 2021. Collection method: clinical testing. Allele origin: germline. Affected: yes.
Comment: In silico analysis supports that this missense variant does not alter protein structure/function; Has not been previously published as pathogenic or benign to our knowledge; This variant is associated with the following publications: (PMID: 31983221)

Eurofins Ntd Llc (ga)
Classification: Uncertain significance. Last evaluated: 2016-10-28. Review status: criteria provided, single submitter. Criteria: EGL Classification Definitions 2015. Collection method: clinical testing. Allele origin: germline. Observed: 1 variant allele, 1 heterozygote.